The following is an entry in ClinVar:

ClinVar aggregate classification (germline): Benign. Review status: criteria provided, multiple submitters, no conflicts (2 of 4 stars). 16 submissions from 16 submitters: Benign (12). 4 of the submissions do not count toward it. Last evaluated 2026-02-04.

Conditions:
Colorectal cancer, susceptibility to, 12 (CRCS12). Also called: COLORECTAL CANCER, SUSCEPTIBILITY TO, ON CHROMOSOME 12q24. Identifiers: Orphanet 220460, MedGen C3554460, MONDO:0014038, OMIM 615083.
Hereditary cancer-predisposing syndrome. Also called: Hereditary Cancer Syndrome; Neoplastic Syndromes, Hereditary; Hereditary neoplastic syndrome; Tumor predisposition. Identifiers: Orphanet 140162, MedGen C0027672, MeSH D009386, MONDO:0015356.
Carcinoma of colon (CRC). Also called: Colonic carcinoma; Colon carcinoma. Identifiers: MedGen C0699790, MONDO:0002032.

Allele frequency attached by ClinVar (database versions not stated): gnomAD 0.02188 and 0.02344; ESP Exome Variant Server 0.02168; TOPMed 0.02413; 1000 Genomes Project 0.02776; gnomAD exomes 0.00216 and 0.00550; ExAC 0.00655; 1000 Genomes Project 30x 0.02686.
gnomAD v4.1: 6,618 of 1,614,188 alleles (0.41%); highest among the groups gnomAD compares: African/African-American, 7.7%; 256 homozygotes.

Submissions (16):

Labcorp Genetics (formerly Invitae), Labcorp
Classification: Benign. Last evaluated: 2026-02-04. Review status: criteria provided, single submitter. Criteria: Invitae Variant Classification Sherloc (09022015). Collection method: clinical testing. Allele origin: germline.

Institute for Biomarker Research, Medical Diagnostic Laboratories, L.L.C.
Classification: Benign for Hereditary cancer-predisposing syndrome. Last evaluated: 2025-05-15. Review status: criteria provided, single submitter. Criteria: ACMG Guidelines, 2015. Collection method: clinical testing. Allele origin: germline.
Comment: The synonymous variant NM_006231.4(POLE):c.3126G>A (p.Lys1042=) has been reported to ClinVar as Benign with a status of (2 stars) criteria provided, multiple submitters, no conflicts (Variation ID 380432 as of 2025-05-01). The p.Lys1042= variant is observed in 139/5,008 (2.7756%) alleles from individuals of 1kG All background in 1kG, indicating it is a common benign variant. The p.Lys1042= variant is not predicted to disrupt an existing splice site. The p.Lys1042= variant results in a substitution of a base that is not predicted conserved by GERP++ and PhyloP. For these reasons, this variant has been classified as Benign.

Center for Genomic Medicine, Rigshospitalet, Copenhagen University Hospital
Classification: Benign. Last evaluated: 2025-03-04. Review status: criteria provided, single submitter. Criteria: ACMG Guidelines, 2015. Collection method: clinical testing. Allele origin: germline.

ARUP Laboratories, Molecular Genetics and Genomics, ARUP Laboratories
Classification: Benign. Last evaluated: 2023-11-06. Review status: criteria provided, single submitter. Criteria: ARUP Molecular Germline Variant Investigation Process 2024. Collection method: clinical testing. Allele origin: germline.

KCCC/NGS Laboratory, Kuwait Cancer Control Center
Classification: Benign for Colorectal cancer, susceptibility to, 12. Last evaluated: 2023-07-07. Review status: criteria provided, single submitter. Criteria: ACMG Guidelines, 2015. Collection method: clinical testing. Allele origin: germline. Affected: yes.

Mayo Clinic Laboratories, Mayo Clinic
Classification: Benign. Last evaluated: 2022-03-10. Review status: criteria provided, single submitter. Criteria: ACMG Guidelines, 2015. Collection method: clinical testing. Allele origin: germline. Observed: 9 variant alleles.

PreventionGenetics, part of Exact Sciences
Classification: Benign. Last evaluated: 2017-08-31. Review status: criteria provided, single submitter. Criteria: ACMG Guidelines, 2015. Collection method: clinical testing. Allele origin: germline.

Women's Health and Genetics/Laboratory Corporation of America, LabCorp
Classification: Benign. Last evaluated: 2017-07-28. Review status: criteria provided, single submitter. Criteria: LabCorp Variant Classification Summary - May 2015. Collection method: clinical testing. Allele origin: germline.
Comment: Variant summary: The POLE c.3126G>A (p.Lys1042Lys) variant involves the alteration of a non-conserved nucleotide, resulting in a synonymous change. One in silico tool predicts a polymorphism outcome for this variant. 5/5 splice prediction tools predict no significant impact on normal splicing. However, these predictions have yet to be confirmed by functional studies. This variant was found in 795/121290 control chromosomes (19 homozygotes) at a frequency of 0.0065545, which is approximately 461 times the estimated maximal expected allele frequency of a pathogenic POLE variant (0.0000142), suggesting this variant is likely a benign polymorphism. In addition, multiple clinical diagnostic laboratories/reputable databases classified this variant as benign. Taken together, this variant is classified as benign.

Quest Diagnostics Nichols Institute San Juan Capistrano
Classification: Benign. Last evaluated: 2016-06-24. Review status: criteria provided, single submitter. Criteria: Quest Diagnostics criteria. Collection method: clinical testing. Allele origin: unknown.

GeneDx
Classification: Benign. Last evaluated: 2015-11-11. Review status: criteria provided, single submitter. Criteria: GeneDx Variant Classification (06012015). Collection method: clinical testing. Allele origin: germline. Affected: yes.
Comment: This variant is considered likely benign or benign based on one or more of the following criteria: it is a conservative change, it occurs at a poorly conserved position in the protein, it is predicted to be benign by multiple in silico algorithms, and/or has population frequency not consistent with disease.

Ambry Genetics
Classification: Benign for Hereditary cancer-predisposing syndrome. Last evaluated: 2015-05-20. Review status: criteria provided, single submitter. Criteria: Ambry Variant Classification Scheme 2023. Collection method: clinical testing. Allele origin: germline.

Breakthrough Genomics
Classification: Benign. Review status: criteria provided, single submitter. Criteria: ACMG Guidelines, 2015. Collection method: not provided. Allele origin: germline. Inheritance: Autosomal recessive inheritance. Affected: yes.

True Health Diagnostics
Classification: Likely benign for Hereditary cancer-predisposing syndrome. Last evaluated: 2018-01-05. Review status: no assertion criteria provided. Collection method: clinical testing. Allele origin: germline. Not counted in ClinVar's aggregate classification.

Clinical Genetics, Academic Medical Center
Classification: Benign. Review status: no assertion criteria provided. Collection method: clinical testing. Allele origin: germline. Affected: yes. Study: VKGL Data-share Consensus. Not counted in ClinVar's aggregate classification.

Department of Pathology and Laboratory Medicine, Sinai Health System
Classification: Benign for Carcinoma of colon. Review status: no assertion criteria provided. Collection method: clinical testing. Allele origin: unknown. Affected: yes. Study: The Canadian Open Genetics Repository (COGR). Not counted in ClinVar's aggregate classification.
Comment: The POLE p.Lys1042= variant was identified in dbSNP (ID: rs5744856) â€šÃ„ÃºWith Benign alleleâ€šÃ„Ã¹. The variant was also identified in control databases in 1996 (73 homozygous) of 277210 chromosomes at a frequency of 0.007, increasing the likelihood this could be a low frequency benign variant (Genome Aggregation Database Feb 27, 2017). The variant was observed in the following populations: African in 1809 (73 homozygous) of 24028 chromosomes (freq: 0.08), Other in 12 of 6466 chromosomes (freq: 0.002), Latino in 127 of 34420 chromosomes (freq: 0.004), European Non-Finnish in 26 of 126698 chromosomes (freq: 0.0002), Ashkenazi Jewish in 8 of 10152 chromosomes (freq: 0.0008), and South Asian in 14 of 30782 chromosomes (freq: 0.0005), while not observed in the East Asian or European Finnish populations. The p.Lys1042= variant is not expected to have clinical significance because it does not result in a change of amino acid and is not located in a known consensus splice site. The variant occurs outside of the splicing consensus sequence, although 1 of 4 in silico or computational prediction software programs (SpliceSiteFinder, MaxEntScan, NNSPLICE, GeneSplicer) predict a greater than 10% difference in splicing; this is not very predictive of pathogenicity. In summary, based on the above information, this variant meets our laboratory's criteria to be classified as benign.

Genome Diagnostics Laboratory, Amsterdam University Medical Center
Classification: Benign. Review status: no assertion criteria provided. Collection method: clinical testing. Allele origin: germline. Affected: yes. Study: VKGL Data-share Consensus. Not counted in ClinVar's aggregate classification.

NM_006231.4(POLE):c.3126G>A (p.Lys1042=)

Gene: POLE (DNA polymerase epsilon, catalytic subunit; minus strand). Cytogenetic location: 12q24.33.
Variant type: single nucleotide variant.
Coding change: c.3126G>A on transcript NM_006231.4 (MANE Select); coding-DNA position 3126, G replaced by A.
Protein change: p.Lys1042=; no amino-acid change (lysine 1042 retained).
Molecular consequence: synonymous variant.
Genome position (GRCh38, 1-based): chr12:132,659,444, C>T on the plus strand (G>A on the coding strand, the complement: POLE is on the minus strand). VCF-style: chr12-132659444-C-T. GRCh37 (hg19) VCF-style: chr12-133236030-C-T.
Other names: p.Lys1042=.
Identifiers: ClinVar variation 380432 (VCV000380432.40), dbSNP rs5744856, ClinGen allele CA6893351.